The following is an entry in ClinVar:

ClinVar aggregate classification (germline): Uncertain significance (1 of 4 stars; one submission).

Allele frequency attached by ClinVar (database versions not stated): ExAC 0.00001; TOPMed 0.00002; gnomAD 0.00003; ESP Exome Variant Server 0.00008.

Submission:

Labcorp Genetics (formerly Invitae), Labcorp
Classification: Uncertain significance. Last evaluated: 2023-04-10. Review status: criteria provided, single submitter. Criteria: Invitae Variant Classification Sherloc (09022015). Collection method: clinical testing. Allele origin: germline.
Comment: This sequence change replaces arginine, which is basic and polar, with cysteine, which is neutral and slightly polar, at codon 419 of the CUL7 protein (p.Arg419Cys). This variant is present in population databases (rs373305024, gnomAD 0.002%). This variant has not been reported in the literature in individuals affected with CUL7-related conditions. ClinVar contains an entry for this variant (Variation ID: 2058743). An algorithm developed to predict the effect of missense changes on protein structure and function (PolyPhen-2) suggests that this variant is likely to be disruptive. In summary, the available evidence is currently insufficient to determine the role of this variant in disease. Therefore, it has been classified as a Variant of Uncertain Significance.

NM_014780.5(CUL7):c.1255C>T (p.Arg419Cys)

Gene: CUL7 (cullin 7; minus strand). Cytogenetic location: 6p21.1.
Variant type: single nucleotide variant.
Coding change: c.1255C>T on transcript NM_014780.5 (MANE Select); coding-DNA position 1255, C replaced by T.
Protein change: p.Arg419Cys; replaces arginine 419 with cysteine.
Molecular consequence: missense variant.
Genome position (GRCh38, 1-based): chr6:43,050,377, G>A on the plus strand (C>T on the coding strand, the complement: CUL7 is on the minus strand). VCF-style: chr6-43050377-G-A. GRCh37 (hg19) VCF-style: chr6-43018115-G-A.
Other names: c.1351C>T, p.Arg451Cys (NM_001168370.2, NM_001374872.1); c.1255C>T, p.Arg419Cys (NM_001374873.1, NM_001374874.1); short protein forms R419C, R451C.
Identifiers: ClinVar variation 2058743 (VCV002058743.3), dbSNP rs373305024, ClinGen allele CA3814183.